The following is an entry in ClinVar:

ClinVar aggregate classification (germline): Uncertain significance. Review status: criteria provided, multiple submitters, no conflicts (2 of 4 stars). 3 submissions from 3 submitters: Uncertain significance (3). Last evaluated 2025-06-03.

Conditions:
PKD1-related disorder. Also called: PKD1-related condition.
Polycystic kidney disease, adult type (PKD1). Also called: Polycystic Kidney Disease 1, Autosomal Dominant; Polycystic kidney disease 1; Polycystic kidney disease 1, severe; Polycystic Kidney, Autosomal Dominant; POLYCYSTIC KIDNEY DISEASE, ADULT, TYPE I; POLYCYSTIC KIDNEY DISEASE 1 WITH OR WITHOUT POLYCYSTIC LIVER DISEASE. Identifiers: MedGen C3149841, MONDO:0008263, OMIM 173900.

Submissions (3):

PreventionGenetics, part of Exact Sciences
Classification: Uncertain significance for PKD1-related condition. Last evaluated: 2025-06-03. Review status: criteria provided, single submitter. Criteria: ACMG Guidelines, 2015. Collection method: clinical testing. Allele origin: germline.
Comment: The PKD1 c.11431T>C variant is predicted to result in the amino acid substitution p.Cys3811Arg. To our knowledge, this variant has not been reported in the literature or in a large population database (gnomAD), indicating this variant is rare. At this time, the clinical significance of this variant is uncertain due to the absence of conclusive functional and genetic evidence.

Fulgent Genetics
Classification: Uncertain significance for Polycystic kidney disease, adult type. Last evaluated: 2024-01-25. Review status: criteria provided, single submitter. Criteria: ACMG Guidelines, 2015. Collection method: clinical testing. Allele origin: germline.

Blueprint Genetics
Classification: Uncertain significance. Last evaluated: 2022-06-30. Review status: criteria provided, single submitter. Criteria: ACMG Guidelines, 2015. Collection method: clinical testing. Allele origin: germline.

NM_001009944.3(PKD1):c.11431T>C (p.Cys3811Arg)

Genes: PKD1 (polycystin 1, transient receptor potential channel interacting; minus strand), PKD1-AS1 (PKD1 antisense RNA 1; plus strand). Cytogenetic location: 16p13.3.
Variant type: single nucleotide variant.
Coding change: c.11431T>C on transcript NM_001009944.3 (MANE Select); coding-DNA position 11431, T replaced by C.
Protein change: p.Cys3811Arg; replaces cysteine 3811 with arginine.
Molecular consequence: missense variant.
Genome position (GRCh38, 1-based): chr16:2,091,887, A>G on the plus strand (T>C on the coding strand, the complement: PKD1 is on the minus strand). VCF-style: chr16-2091887-A-G. GRCh37 (hg19) VCF-style: chr16-2141888-A-G.
Other names: c.11428T>C, p.Cys3810Arg (NM_000296.4); short protein forms C3811R, C3810R.
Identifiers: ClinVar variation 3578932 (VCV003578932.3).